The following is an entry in ClinVar:

ClinVar aggregate classification (germline): Uncertain significance (1 of 4 stars; one submission).

Conditions:
Primary ciliary dyskinesia. Also called: Ciliary dyskinesia. Identifiers: Orphanet 244, MedGen C0008780, MONDO:0016575, HP:0012265.

Allele frequency attached by ClinVar (database versions not stated): gnomAD exomes below 0.00001; gnomAD 0.00001.
gnomAD v4.1: 3 of 1,606,030 alleles (0.00019%); highest among the groups gnomAD compares: East Asian, 0.0022%; no homozygotes.

Submission:

Labcorp Genetics (formerly Invitae), Labcorp
Classification: Uncertain significance for Primary ciliary dyskinesia. Last evaluated: 2019-06-22. Review status: criteria provided, single submitter. Criteria: Invitae Variant Classification Sherloc (09022015). Collection method: clinical testing. Allele origin: germline.
Comment: This sequence change replaces alanine with threonine at codon 154 of the DNAAF2 protein (p.Ala154Thr). The alanine residue is highly conserved and there is a small physicochemical difference between alanine and threonine. In summary, the available evidence is currently insufficient to determine the role of this variant in disease. Therefore, it has been classified as a Variant of Uncertain Significance. Algorithms developed to predict the effect of missense changes on protein structure and function do not agree on the potential impact of this missense change (SIFT: "Deleterious"; PolyPhen-2: "Probably Damaging"; Align-GVGD: "Class C0"). This variant has not been reported in the literature in individuals with DNAAF2-related disease. This variant is not present in population databases (ExAC no frequency).

NM_018139.3(DNAAF2):c.460G>A (p.Ala154Thr)

Gene: DNAAF2 (dynein axonemal assembly factor 2; minus strand). Cytogenetic location: 14q21.3.
Variant type: single nucleotide variant.
Coding change: c.460G>A on transcript NM_018139.3 (MANE Select); coding-DNA position 460, G replaced by A.
Protein change: p.Ala154Thr; replaces alanine 154 with threonine.
Molecular consequence: missense variant.
Genome position (GRCh38, 1-based): chr14:49,634,690, C>T on the plus strand (G>A on the coding strand, the complement: DNAAF2 is on the minus strand). VCF-style: chr14-49634690-C-T. GRCh37 (hg19) VCF-style: chr14-50101408-C-T.
Other names: c.460G>A, p.Ala154Thr (NM_001083908.2); short protein forms A154T.
Identifiers: ClinVar variation 568318 (VCV000568318.11), dbSNP rs1302191659, ClinGen allele CA389631807.